The following is an entry in ClinVar:

NM_001164508.2(NEB):c.4027C>G (p.His1343Asp)

Gene: NEB (nebulin; minus strand). Cytogenetic location: 2q23.3.
Variant type: single nucleotide variant.
Coding change: c.4027C>G on transcript NM_001164508.2 (MANE Select); coding-DNA position 4027, C replaced by G.
Protein change: p.His1343Asp; replaces histidine 1343 with aspartic acid.
Molecular consequence: missense variant.
Genome position (GRCh38, 1-based): chr2:151,672,641, G>C on the plus strand (C>G on the coding strand, the complement: NEB is on the minus strand). VCF-style: chr2-151672641-G-C. GRCh37 (hg19) VCF-style: chr2-152529155-G-C.
Other names: c.4027C>G, p.His1343Asp (NM_001164507.2, NM_001271208.2, NM_004543.5); c.4027C>G (NM_004543.4); short protein forms H1343D.
Identifiers: ClinVar variation 2141257 (VCV002141257.2), dbSNP rs747303590, ClinGen allele CA348817106.

ClinVar aggregate classification (germline): Uncertain significance. Review status: criteria provided, multiple submitters, no conflicts (2 of 4 stars). 2 submissions from 2 submitters: Uncertain significance (2). Last evaluated 2022-10-26.

Conditions:
Inborn genetic diseases. Identifiers: MedGen C0950123, MeSH D030342.
Nemaline myopathy 2 (NEM2). Also called: Nemaline myopathy 2, autosomal recessive. Identifiers: MedGen C1850569, MONDO:0009725, OMIM 256030.

gnomAD v4.1: 2 of 1,613,914 alleles (0.00012%); highest among the groups gnomAD compares: Non-Finnish European, 0.00017%; no homozygotes.

Submissions (2):

Ambry Genetics
Classification: Uncertain significance for Inborn genetic diseases. Last evaluated: 2022-10-26. Review status: criteria provided, single submitter. Criteria: Ambry Variant Classification Scheme 2023. Collection method: clinical testing. Allele origin: germline.

Labcorp Genetics (formerly Invitae), Labcorp
Classification: Uncertain significance for Nemaline myopathy 2. Last evaluated: 2022-08-19. Review status: criteria provided, single submitter. Criteria: Invitae Variant Classification Sherloc (09022015). Collection method: clinical testing. Allele origin: germline.
Comment: This sequence change replaces histidine, which is basic and polar, with aspartic acid, which is acidic and polar, at codon 1343 of the NEB protein (p.His1343Asp). This variant is not present in population databases (gnomAD no frequency). This variant has not been reported in the literature in individuals affected with NEB-related conditions. Algorithms developed to predict the effect of missense changes on protein structure and function are either unavailable or do not agree on the potential impact of this missense change (SIFT: "Deleterious"; PolyPhen-2: "Not Available"; Align-GVGD: "Class C0"). In summary, the available evidence is currently insufficient to determine the role of this variant in disease. Therefore, it has been classified as a Variant of Uncertain Significance.